The following is an entry in ClinVar:

ClinVar aggregate classification (germline): Likely benign (1 of 4 stars; one submission).

gnomAD v4.1: 3 of 1,556,258 alleles (0.00019%); highest among the groups gnomAD compares: Middle Eastern, 0.034%; no homozygotes.

Submission:

CeGaT Center for Human Genetics Tuebingen
Classification: Likely benign. Last evaluated: 2024-12-01. Review status: criteria provided, single submitter. Criteria: CeGaT Center For Human Genetics Tuebingen Variant Classification Criteria Version 2. Collection method: clinical testing. Allele origin: germline. Affected: yes. Observed: 1 variant allele.
Comment: GRIA4: BP4

NM_000829.4(GRIA4):c.2409+7C>G

Gene: GRIA4 (glutamate ionotropic receptor AMPA type subunit 4; plus strand). Cytogenetic location: 11q22.3.
Variant type: single nucleotide variant.
Coding change: c.2409+7C>G on transcript NM_000829.4 (MANE Select); 7 bases into the intron after coding-DNA position 2409, C replaced by G.
Molecular consequence: intron variant.
Genome position (GRCh38, 1-based): chr11:105,972,035, C>G. VCF-style: chr11-105972035-C-G. GRCh37 (hg19) VCF-style: chr11-105842762-C-G.
Other names: c.2410-2275C>G (NM_001077243.3).
Identifiers: ClinVar variation 3771894 (VCV003771894.13).
Genomic context (GRCh38, chr11:105,972,035, plus strand): 5'-AACAAATGGTGGTACGATAAAGGTGAATGTGGACCCAAGGACTCTGGAAGCAAGGTCAGT[C>G]GCTGCAGTTCGGGGCCTCCTCTTGTGTTCACAAAGCAGTAAACGGGAGCAATTGTCAAAA-3'